The following is an entry in ClinVar:

ClinVar aggregate classification (germline): Pathogenic (1 of 4 stars; one submission).

Conditions:
Long QT syndrome (LQTS). Identifiers: MedGen C0023976, MeSH D008133, MONDO:0002442. Disease mechanism: loss of function. Inheritance: Various modes of inheritance.

Submission:

Labcorp Genetics (formerly Invitae), Labcorp
Classification: Pathogenic for Long QT syndrome. Last evaluated: 2022-07-01. Review status: criteria provided, single submitter. Criteria: Invitae Variant Classification Sherloc (09022015). Collection method: clinical testing. Allele origin: unknown.
Comment: For these reasons, this variant has been classified as Pathogenic. This variant disrupts a region of the KCNQ1 protein in which other variant(s) (p.Arg632Glnfs*20) have been determined to be pathogenic (PMID: 10024302, 16981927, 19825999, 23098067, 23631430, 25187895). This suggests that this is a clinically significant region of the protein, and that variants that disrupt it are likely to be disease-causing. This variant has not been reported in the literature in individuals affected with KCNQ1-related conditions. This variant is a gross deletion of the genomic region encompassing exon(s) 16 of the KCNQ1 gene, which includes the termination codon. This deletion extends beyond the assayed region for this gene and therefore may encompass additional genes. While this deletion is not anticipated to lead to nonsense mediated decay, it is expected to alter mRNA translation or result in a truncated protein product.

Literature cited by the submitters: PubMed 10024302; PubMed 16981927; PubMed 19825999; PubMed 23098067; PubMed 23631430; PubMed 25187895.

NC_000011.9:g.(?_2868977)_(2869233_?)del

Gene: KCNQ1 (potassium voltage-gated channel subfamily Q member 1; plus strand). Cytogenetic location: 11p15.4.
Variant type: Deletion.
Identifiers: ClinVar variation 3244540 (VCV003244540.1).